The following is an entry in ClinVar:

ClinVar aggregate classification (germline): Uncertain significance (1 of 4 stars; one submission).

Allele frequency attached by ClinVar (database versions not stated): gnomAD 0.00001.

Submission:

Labcorp Genetics (formerly Invitae), Labcorp
Classification: Uncertain significance. Last evaluated: 2022-10-25. Review status: criteria provided, single submitter. Criteria: Invitae Variant Classification Sherloc (09022015). Collection method: clinical testing. Allele origin: germline.
Comment: This variant has not been reported in the literature in individuals affected with MOCS2A-related conditions. ClinVar contains an entry for this variant (Variation ID: 1353990). Algorithms developed to predict the effect of missense changes on protein structure and function are either unavailable or do not agree on the potential impact of this missense change (SIFT: "Tolerated"; PolyPhen-2: "Probably Damaging"; Align-GVGD: "Class C0"). In summary, the available evidence is currently insufficient to determine the role of this variant in disease. Therefore, it has been classified as a Variant of Uncertain Significance. Please note, this variant is also classified as Variant of Uncertain Significance in MOCS2B. This variant is present in population databases (no rsID available, gnomAD 0.007%). The MOCS2 gene encodes two different proteins which are translated from alternative transcripts, MOCS2A and MOCS2B, that have different open reading frames. This variant occurs in MOCS2A, and also corresponds to c.61C>T (p.Pro21Ser) in MOCS2B. This sequence change replaces proline, which is neutral and non-polar, with leucine, which is neutral and non-polar, at codon 83 of the MOCS2A protein (p.Pro83Leu).

NM_004531.5(MOCS2):c.61C>T (p.Pro21Ser)

Gene: MOCS2 (molybdenum cofactor synthesis 2; minus strand). Cytogenetic location: 5q11.2.
Variant type: single nucleotide variant.
Coding change: c.61C>T on transcript NM_004531.5 (MANE Select); coding-DNA position 61, C replaced by T.
Protein change: p.Pro21Ser; replaces proline 21 with serine.
Molecular consequence: missense variant.
Genome position (GRCh38, 1-based): chr5:53,107,114, G>A on the plus strand (C>T on the coding strand, the complement: MOCS2 is on the minus strand). VCF-style: chr5-53107114-G-A. GRCh37 (hg19) VCF-style: chr5-52402944-G-A.
Other names: c.248C>T, p.Pro83Leu (NM_176806.4); short protein forms P21S, P83L.
Identifiers: ClinVar variation 1353990 (VCV001353990.8), dbSNP rs1379732256, ClinGen allele CA359693701.